The following is an entry in ClinVar:

NM_001353214.3(DYM):c.1654A>G (p.Asn552Asp)

Gene: DYM (dymeclin; minus strand). Cytogenetic location: 18q21.1.
Variant type: single nucleotide variant.
Coding change: c.1654A>G on transcript NM_001353214.3 (MANE Select); coding-DNA position 1654, A replaced by G.
Protein change: p.Asn552Asp; replaces asparagine 552 with aspartic acid.
Molecular consequence: missense variant.
Genome position (GRCh38, 1-based): chr18:49,163,759, T>C on the plus strand (A>G on the coding strand, the complement: DYM is on the minus strand). VCF-style: chr18-49163759-T-C. GRCh37 (hg19) VCF-style: chr18-46690129-T-C.
Other names: c.1486A>G, p.Asn496Asp (NM_001353210.3, NM_001353211.3, NM_001374435.1 and 1 more transcripts); c.1651A>G, p.Asn551Asp (NM_001353212.3, NM_001353213.3); c.1654A>G, p.Asn552Asp (NM_001353215.3, NM_001374428.1, NM_001374430.1 and 1 more transcripts); c.1489A>G, p.Asn497Asp (NM_001353216.3, NM_001374433.1, NM_001374434.1 and 1 more transcripts); c.1648A>G, p.Asn550Asp (NM_001374429.1); c.1528A>G, p.Asn510Asp (NM_001374432.1); c.1363A>G, p.Asn455Asp (NM_001374436.1); c.1306A>G, p.Asn436Asp (NM_001374437.1); and 5 more; short protein forms N307D, N421D, N436D, N495D, N550D, N306D, N362D, N496D.
Identifiers: ClinVar variation 1500997 (VCV001500997.6), dbSNP rs367818401, ClinGen allele CA300365732.

ClinVar aggregate classification (germline): Uncertain significance (1 of 4 stars; one submission).

Allele frequency attached by ClinVar (database versions not stated): gnomAD 0.00001; TOPMed 0.00001; ESP Exome Variant Server 0.00008.
gnomAD v4.1: 1 of 1,611,848 alleles (0.000062%); highest among the groups gnomAD compares: African/African-American, 0.0013%; no homozygotes.

Submission:

Labcorp Genetics (formerly Invitae), Labcorp
Classification: Uncertain significance. Last evaluated: 2024-11-18. Review status: criteria provided, single submitter. Criteria: Invitae Variant Classification Sherloc (09022015). Collection method: clinical testing. Allele origin: germline.
Comment: This sequence change replaces asparagine, which is neutral and polar, with aspartic acid, which is acidic and polar, at codon 497 of the DYM protein (p.Asn497Asp). This variant is not present in population databases (gnomAD no frequency). This variant has not been reported in the literature in individuals affected with DYM-related conditions. ClinVar contains an entry for this variant (Variation ID: 1500997). Invitae Evidence Modeling of protein sequence and biophysical properties (such as structural, functional, and spatial information, amino acid conservation, physicochemical variation, residue mobility, and thermodynamic stability) indicates that this missense variant is not expected to disrupt DYM protein function with a negative predictive value of 80%. In summary, the available evidence is currently insufficient to determine the role of this variant in disease. Therefore, it has been classified as a Variant of Uncertain Significance.